The following is an entry in ClinVar:

NM_001077446.4(TSEN34):c.*385A>T

Gene: TSEN34 (tRNA splicing endonuclease subunit 34; plus strand). Cytogenetic location: 19q13.42.
Variant type: single nucleotide variant.
Coding change: c.*385A>T on transcript NM_001077446.4 (MANE Select); 385 bases downstream of the stop codon, A replaced by T.
Molecular consequence: 3 prime UTR variant.
Genome position (GRCh38, 1-based): chr19:54,193,747, A>T. VCF-style: chr19-54193747-A-T. GRCh37 (hg19) VCF-style: chr19-54697602-G-T.
Other names: c.*385A>T (NM_001282332.2, NM_001386740.1, NM_024075.5); c.*76A>T (NM_001282333.2).
Identifiers: ClinVar variation 893828 (VCV000893828.4), dbSNP rs36622, ClinGen allele CA309377084.
Genomic context (GRCh38, chr19:54,193,747, plus strand): 5'-CAGTCCTGGAACCCGTGGATGGTCTCATCTGCATGTACAGGTGAGAAAAAGGCCTGGAGG[A>T]GGGGGACTGACTTGCCCAAAGTCACACACTTAGTAAATAGCAGGCCTGGCCTTTCAAAAT-3'

ClinVar aggregate classification (germline): Likely benign (1 of 4 stars; one submission).

Conditions:
Pontoneocerebellar hypoplasia. Also called: Pontocerebellar hypoplasia; Non-syndromic pontocerebellar hypoplasia. Identifiers: Orphanet 98523, MedGen C1261175, MONDO:0020135.

Allele frequency attached by ClinVar (database versions not stated): 1000 Genomes Project 30x 0.00219; 1000 Genomes Project 0.00220.
gnomAD v4.1: 1,306 of 712,390 alleles (0.18%); highest among the groups gnomAD compares: East Asian, 3%; 25 homozygotes.

Submission:

Illumina Laboratory Services, Illumina
Classification: Likely benign for Pontoneocerebellar hypoplasia. Last evaluated: 2018-01-13. Review status: criteria provided, single submitter. Criteria: ICSL Variant Classification Criteria 13 December 2019. Collection method: clinical testing. Allele origin: germline.
Comment: This variant was observed in the ICSL laboratory as part of a predisposition screen in an ostensibly healthy population. It had not been previously curated by ICSL or reported in the Human Gene Mutation Database (HGMD: prior to June 1st, 2018), and was therefore a candidate for classification through an automated scoring system. Utilizing variant allele frequency, disease prevalence and penetrance estimates, and inheritance mode, an automated score was calculated to assess if this variant is too frequent to cause the disease. Based on the score and internal cut-off values, a variant classified as likely benign is not then subjected to further curation. The score for this variant resulted in a classification of likely benign for this disease.